The following is an entry in ClinVar:

NM_001367624.2(ZNF469):c.8327A>G (p.Glu2776Gly)

Gene: ZNF469 (zinc finger protein 469; plus strand). Cytogenetic location: 16q24.2.
Variant type: single nucleotide variant.
Coding change: c.8327A>G on transcript NM_001367624.2 (MANE Select); coding-DNA position 8327, A replaced by G.
Protein change: p.Glu2776Gly; replaces glutamic acid 2776 with glycine.
Molecular consequence: missense variant.
Genome position (GRCh38, 1-based): chr16:88,435,797, A>G. VCF-style: chr16-88435797-A-G. GRCh37 (hg19) VCF-style: chr16-88502205-A-G.
Other names: short protein forms E2776G.
Identifiers: ClinVar variation 1395086 (VCV001395086.6), dbSNP rs1426170035, ClinGen allele CA397117388.
Genomic context (GRCh38, chr16:88,435,797, plus strand): 5'-GGGGACCAAGAGAGACCAAGGCGTTGGGTGTGTGCAAAGAGTCTGGGAGCGAGCCTGCGG[A>G]GGACAGCAGCAGGGCCCACAGCCGATCAGAGGAAGGTGTCTGGGAGGAGAACACGCCCCC-3'
Protein context (NP_001354553.1, residues 2766-2786): VCKESGSEPA[Glu2776Gly]DSSRAHSRSE

ClinVar aggregate classification (germline): Uncertain significance (1 of 4 stars; one submission).

Allele frequency attached by ClinVar (database versions not stated): TOPMed below 0.00001; gnomAD 0.00001; gnomAD exomes 0.00001.
gnomAD v4.1: 12 of 1,550,470 alleles (0.00077%); highest among the groups gnomAD compares: Non-Finnish European, 0.001%; no homozygotes.

Submission:

Labcorp Genetics (formerly Invitae), Labcorp
Classification: Uncertain significance. Last evaluated: 2023-02-09. Review status: criteria provided, single submitter. Criteria: Invitae Variant Classification Sherloc (09022015). Collection method: clinical testing. Allele origin: germline.
Comment: Algorithms developed to predict the effect of missense changes on protein structure and function output the following: SIFT: "Tolerated"; PolyPhen-2: "Possibly Damaging"; Align-GVGD: "Class C0". The glycine amino acid residue is found in multiple mammalian species, which suggests that this missense change does not adversely affect protein function. In summary, the available evidence is currently insufficient to determine the role of this variant in disease. Therefore, it has been classified as a Variant of Uncertain Significance. ClinVar contains an entry for this variant (Variation ID: 1395086). This variant has not been reported in the literature in individuals affected with ZNF469-related conditions. This variant is not present in population databases (gnomAD no frequency). This sequence change replaces glutamic acid, which is acidic and polar, with glycine, which is neutral and non-polar, at codon 2748 of the ZNF469 protein (p.Glu2748Gly).